The following is an entry in ClinVar:

NM_000719.7(CACNA1C):c.5444+675G>A

Genes: CACNA1C (calcium voltage-gated channel subunit alpha1 C; plus strand), CACNA1C-AS1 (CACNA1C antisense RNA 1; minus strand). Cytogenetic location: 12p13.33.
Variant type: single nucleotide variant.
Coding change: c.5444+675G>A on transcript NM_000719.7 (MANE Select); 675 bases into the intron after coding-DNA position 5444, G replaced by A.
Molecular consequence: intron variant. On other transcripts: synonymous variant (1).
Genome position (GRCh38, 1-based): chr12:2,680,471, G>A. VCF-style: chr12-2680471-G-A. GRCh37 (hg19) VCF-style: chr12-2789637-G-A.
Other names: c.5520G>A, p.Leu1840= (NM_001167625.2); c.5444+675G>A (NM_001167624.3, NM_001167623.2, NM_001129840.2 and 4 more transcripts); c.5588+675G>A (NM_199460.4, NM_001129827.2); c.5504+675G>A (NM_001129832.2); c.5528+675G>A (NM_001129831.2); c.5501+675G>A (NM_001129833.2, NM_001129834.2, NM_001129835.2); c.5567+675G>A (NM_001129829.2); c.5468+675G>A (NM_001129837.2, NM_001129838.2); and 4 more.
Identifiers: ClinVar variation 3026949 (VCV003026949.22), dbSNP rs1200789082, ClinGen allele CA602739587.

ClinVar aggregate classification (germline): Likely benign (1 of 4 stars; one submission).

Allele frequency attached by ClinVar (database versions not stated): TOPMed below 0.00001; gnomAD 0.00001; gnomAD exomes 0.00002.
gnomAD v4.1: 23 of 1,566,530 alleles (0.0015%); highest among the groups gnomAD compares: Non-Finnish European, 0.002%; no homozygotes.

Submission:

CeGaT Center for Human Genetics Tuebingen
Classification: Likely benign. Last evaluated: 2024-01-01. Review status: criteria provided, single submitter. Criteria: CeGaT Center For Human Genetics Tuebingen Variant Classification Criteria Version 2. Collection method: clinical testing. Allele origin: germline. Affected: yes. Observed: 1 variant allele.
Comment: CACNA1C: BP4, BP7